The following is an entry in ClinVar:

ClinVar aggregate classification (germline): Likely benign (1 of 4 stars; one submission).

Allele frequency attached by ClinVar (database versions not stated): ExAC 0.00004.

Submission:

CeGaT Center for Human Genetics Tuebingen
Classification: Likely benign. Last evaluated: 2023-08-01. Review status: criteria provided, single submitter. Criteria: CeGaT Center For Human Genetics Tuebingen Variant Classification Criteria Version 2. Collection method: clinical testing. Allele origin: germline. Affected: yes. Observed: 1 variant allele.
Comment: TAS2R46: BP4, BP7

NM_176887.2(TAS2R46):c.99T>C (p.Ile33=)

Genes: PRH1 (proline rich protein HaeIII subfamily 1; minus strand), PRH1-PRR4 (PRH1-PRR4 readthrough; minus strand), PRH1-TAS2R14 (PRH1-TAS2R14 readthrough; minus strand), TAS2R46 (taste 2 receptor member 46; minus strand). Cytogenetic location: 12p13.2.
Variant type: single nucleotide variant.
Coding change: c.99T>C on transcript NM_176887.2 (MANE Select); coding-DNA position 99, T replaced by C.
Protein change: p.Ile33=; no amino-acid change (isoleucine 33 retained).
Molecular consequence: synonymous variant. On other transcripts: intron variant (3).
Genome position (GRCh38, 1-based): chr12:11,062,196, A>G on the plus strand (T>C on the coding strand, the complement: TAS2R46 is on the minus strand). VCF-style: chr12-11062196-A-G. GRCh37 (hg19) VCF-style: chr12-11214795-A-G.
Other names: c.-133-15008T>C (NM_001291315.2, NM_001316893.2); c.-294-15008T>C (NM_001291314.2).
Identifiers: ClinVar variation 2642702 (VCV002642702.22), dbSNP rs765007520, ClinGen allele CA6451087.